The following is an entry in ClinVar:

NM_004004.6(GJB2):c.278T>G (p.Met93Arg)

Gene: GJB2 (gap junction protein beta 2; minus strand). Cytogenetic location: 13q12.11.
Variant type: single nucleotide variant.
Coding change: c.278T>G on transcript NM_004004.6 (MANE Select); coding-DNA position 278, T replaced by G.
Protein change: p.Met93Arg; replaces methionine 93 with arginine.
Molecular consequence: missense variant.
Genome position (GRCh38, 1-based): chr13:20,189,304, A>C on the plus strand (T>G on the coding strand, the complement: GJB2 is on the minus strand). VCF-style: chr13-20189304-A-C. GRCh37 (hg19) VCF-style: chr13-20763443-A-C.
Other names: short protein forms M93R.
Identifiers: ClinVar variation 3339545 (VCV003339545.1).

ClinVar aggregate classification (germline): Uncertain significance (1 of 4 stars; one submission).

Submission:

Women's Health and Genetics/Laboratory Corporation of America, LabCorp
Classification: Uncertain significance. Last evaluated: 2024-06-13. Review status: criteria provided, single submitter. Criteria: LabCorp Variant Classification Summary - May 2015. Collection method: clinical testing. Allele origin: germline.
Comment: Variant summary: GJB2 c.278T>G (p.Met93Arg) results in a non-conservative amino acid change located in the Connexin, N-terminal (IPR013092) of the encoded protein sequence. Five of five in-silico tools predict a damaging effect of the variant on protein function. The variant was absent in 251230 control chromosomes. The available data on variant occurrences in the general population are insufficient to allow any conclusion about variant significance. To our knowledge, no occurrence of c.278T>G in individuals affected with Non-Syndromic Hearing Loss and no experimental evidence demonstrating its impact on protein function have been reported. No submitters have cited clinical-significance assessments for this variant to ClinVar. Based on the evidence outlined above, the variant was classified as uncertain significance.